The following is an entry in ClinVar:

ClinVar aggregate classification (germline): Conflicting classifications of pathogenicity. Review status: criteria provided, conflicting classifications (1 of 4 stars). 11 submissions from 11 submitters: Uncertain significance (7); Likely benign (3). 1 of the submissions does not count toward it. Last evaluated 2026-02-03.

Conditions:
Hereditary cancer-predisposing syndrome. Also called: Tumor predisposition; Hereditary Cancer Syndrome; Neoplastic Syndromes, Hereditary; Hereditary neoplastic syndrome. Identifiers: Orphanet 140162, MedGen C0027672, MeSH D009386, MONDO:0015356.
Hereditary diffuse gastric adenocarcinoma (HDGC). Also called: DIFFUSE GASTRIC AND LOBULAR BREAST CANCER SYNDROME. Identifiers: Orphanet 26106, MedGen C1708349, MONDO:0007648, OMIM 137215.
Familial cancer of breast. Also called: BREAST CANCER, FAMILIAL; Hereditary breast cancer; hereditary breast carcinoma. Identifiers: Orphanet 227535, MedGen C0346153, MONDO:0016419, OMIM 114480. Disease mechanism: loss of function.

Allele frequency attached by ClinVar (database versions not stated): gnomAD 0.00001; ExAC 0.00002; gnomAD exomes 0.00002 and 0.00005; TOPMed 0.00004.
gnomAD v4.1: 31 of 1,614,062 alleles (0.0019%); highest among the groups gnomAD compares: East Asian, 0.018%; no homozygotes.

Submissions (11):

Labcorp Genetics (formerly Invitae), Labcorp
Classification: Uncertain significance for Hereditary diffuse gastric adenocarcinoma. Last evaluated: 2026-02-03. Review status: criteria provided, single submitter. Criteria: Invitae Variant Classification Sherloc (09022015). Collection method: clinical testing. Allele origin: germline.
Comment: This sequence change replaces glycine, which is neutral and non-polar, with serine, which is neutral and polar, at codon 839 of the CDH1 protein (p.Gly839Ser). This variant is present in population databases (rs587780121, gnomAD 0.05%), and has an allele count higher than expected for a pathogenic variant. This variant has not been reported in the literature in individuals affected with CDH1-related conditions. ClinVar contains an entry for this variant (Variation ID: 127927). An algorithm developed to predict the effect of missense changes on protein structure and function (PolyPhen-2) suggests that this variant is likely to be disruptive. In summary, the available evidence is currently insufficient to determine the role of this variant in disease. Therefore, it has been classified as a Variant of Uncertain Significance.

Women's Health and Genetics/Laboratory Corporation of America, LabCorp
Classification: Likely benign. Last evaluated: 2024-12-26. Review status: criteria provided, single submitter. Criteria: LabCorp Variant Classification Summary - May 2015. Collection method: clinical testing. Allele origin: germline.

Quest Diagnostics Nichols Institute San Juan Capistrano
Classification: Likely benign. Last evaluated: 2024-12-18. Review status: criteria provided, single submitter. Criteria: Quest Diagnostics criteria. Collection method: clinical testing. Allele origin: unknown.

Baylor Genetics
Classification: Uncertain significance for Familial cancer of breast. Last evaluated: 2024-03-27. Review status: criteria provided, single submitter. Criteria: ACMG Guidelines, 2015. Collection method: clinical testing. Allele origin: unknown.

Color Diagnostics, LLC DBA Color Health
Classification: Uncertain significance for Hereditary cancer-predisposing syndrome. Last evaluated: 2023-11-13. Review status: criteria provided, single submitter. Criteria: ACMG Guidelines, 2015. Collection method: clinical testing. Allele origin: germline.
Comment: This missense variant replaces glycine with serine at codon 839 of the CDH1 protein. To our knowledge, functional studies have not been reported for this variant. In a large breast cancer case-control study, this variant was reported in 4/60466 cases and 1/53461 unaffected controls, showing inconclusive association with disease (OR=3.537 (95%CI 0.395 to 31.645); p-value=0.38; Leiden Open Variation Database DB-ID CDH1_000192) (PMID: 33471991). This variant has also been reported in an unaffected individual with a family history of gastric and breast cancer (PMID: 36436516). This variant has been identified in 13/251488 chromosomes in the general population by the Genome Aggregation Database (gnomAD). The available evidence is insufficient to determine the role of this variant in disease conclusively. Therefore, this variant is classified as a Variant of Uncertain Significance.

Myriad Genetics, Inc.
Classification: Uncertain significance for Hereditary diffuse gastric adenocarcinoma. Last evaluated: 2023-03-07. Review status: criteria provided, single submitter. Criteria: Myriad Autosomal Dominant, Autosomal Recessive and X-Linked Classification Criteria (2023). Collection method: clinical testing. Allele origin: unknown.
Comment: This variant is classified as a variant of uncertain significance as there is insufficient evidence to determine its impact on protein function and/or cancer risk.

GeneDx
Classification: Uncertain significance. Last evaluated: 2022-09-23. Review status: criteria provided, single submitter. Criteria: GeneDx Variant Classification Process June 2021. Collection method: clinical testing. Allele origin: germline. Affected: yes.
Comment: In silico analysis supports that this missense variant has a deleterious effect on protein structure/function; Has not been previously published as pathogenic or benign to our knowledge; This variant is associated with the following publications: (PMID: 15235021, 22850631)

European Reference Network on Genetic Tumour Risk Syndromes (ERN-GENTURIS), i3s - Instituto de Investigação e Inovação em Saúde, University of Porto
Classification: Uncertain significance for Hereditary diffuse gastric adenocarcinoma. Last evaluated: 2022-08-01. Review status: criteria provided, single submitter. Criteria: Lee et al. (Hum Mutat. 2018). Collection method: clinical testing. Allele origin: germline. Inheritance: Autosomal dominant inheritance. Affected: no. Study: ERN GENTURIS.
Comment: Not applicable criteria (PMID: 30311375)

Ambry Genetics
Classification: Likely benign for Hereditary cancer-predisposing syndrome. Last evaluated: 2021-11-15. Review status: criteria provided, single submitter. Criteria: Ambry Variant Classification Scheme 2023. Collection method: clinical testing. Allele origin: germline.

Sema4
Classification: Uncertain significance for Hereditary cancer-predisposing syndrome. Last evaluated: 2021-11-15. Review status: criteria provided, single submitter. Criteria: Sema4 Curation Guidelines. Collection method: curation. Allele origin: germline.
Comment: The CDH1 c.2515G>A (p.G839S) variant has been reported in individuals with breast cancer, as well as in a healthy control (PMID: 33471991). It was observed in 8/18394 chromosomes of the East Asian subpopulation in the large and broad cohorts of the Genome Aggregation Database (PMID: 32461654). The variant has been reported in ClinVar (Variation ID: 127927). In silico tools suggest the impact of the variant on protein function is deleterious, though these predictions have not been confirmed by functional studies. The evidence is insufficient to meet ACMG/AMP criteria for classifying the variant as benign or pathogenic. Thus, the clinical significance of this variant is currently uncertain.

Counsyl
Classification: Uncertain significance for Hereditary diffuse gastric adenocarcinoma. Last evaluated: 2015-12-22. Review status: no assertion criteria provided. Collection method: clinical testing. Allele origin: unknown. Not counted in ClinVar's aggregate classification.

Literature cited by the submitters: PubMed 33471991 (cited by 3 submitters); PubMed 36436516 (cited by 3 submitters).

NM_004360.5(CDH1):c.2515G>A (p.Gly839Ser)

Gene: CDH1 (cadherin 1; plus strand). Cytogenetic location: 16q22.1.
Variant type: single nucleotide variant.
Coding change: c.2515G>A on transcript NM_004360.5 (MANE Select); coding-DNA position 2515, G replaced by A.
Protein change: p.Gly839Ser; replaces glycine 839 with serine.
Molecular consequence: missense variant.
Genome position (GRCh38, 1-based): chr16:68,833,365, G>A. VCF-style: chr16-68833365-G-A. GRCh37 (hg19) VCF-style: chr16-68867268-G-A.
Other names: p.G839S:GGT>AGT; c.2515G>A (LRG_301t1); c.2332G>A, p.Gly778Ser (NM_001317184.2); c.967G>A, p.Gly323Ser (NM_001317185.2); c.550G>A, p.Gly184Ser (NM_001317186.2); short protein forms G839S, G323S, G778S, G184S.
Identifiers: ClinVar variation 127927 (VCV000127927.35), dbSNP rs587780121, ClinGen allele CA288061.